The following is an entry in ClinVar:

NM_000372.5(TYR):c.879C>T (p.Pro293=)

Gene: TYR (tyrosinase; plus strand). Cytogenetic location: 11q14.3.
Variant type: single nucleotide variant.
Coding change: c.879C>T on transcript NM_000372.5 (MANE Select); coding-DNA position 879, C replaced by T.
Protein change: p.Pro293=; no amino-acid change (proline 293 retained).
Molecular consequence: synonymous variant.
Genome position (GRCh38, 1-based): chr11:89,191,261, C>T. VCF-style: chr11-89191261-C-T. GRCh37 (hg19) VCF-style: chr11-88924429-C-T.
Other names: c.879C>T (NM_000372.4).
Identifiers: ClinVar variation 2897247 (VCV002897247.6), dbSNP rs760287990, ClinGen allele CA6221246.

ClinVar aggregate classification (germline): Likely benign. Review status: criteria provided, multiple submitters, no conflicts (2 of 4 stars). 3 submissions from 3 submitters: Likely benign (2). 1 of the submissions does not count toward it. Last evaluated 2025-12-23.

Conditions:
TYR-related disorder. Also called: TYR-related condition.

gnomAD v4.1: 22 of 1,613,404 alleles (0.0014%); highest among the groups gnomAD compares: African/African-American, 0.008%; no homozygotes.

Submissions (3):

Labcorp Genetics (formerly Invitae), Labcorp
Classification: Likely benign. Last evaluated: 2025-12-23. Review status: criteria provided, single submitter. Criteria: Invitae Variant Classification Sherloc (09022015). Collection method: clinical testing. Allele origin: germline.

Blueprint Genetics
Classification: Likely benign. Last evaluated: 2019-05-05. Review status: criteria provided, single submitter. Criteria: ACMG Guidelines, 2015. Collection method: clinical testing. Allele origin: germline.

PreventionGenetics, part of Exact Sciences
Classification: Likely benign for TYR-related condition. Last evaluated: 2019-04-26. Review status: no assertion criteria provided. Collection method: clinical testing. Allele origin: germline. Not counted in ClinVar's aggregate classification.
Comment: This variant is classified as likely benign based on ACMG/AMP sequence variant interpretation guidelines (Richards et al. 2015 PMID: 25741868, with internal and published modifications).